The following is an entry in ClinVar:

ClinVar aggregate classification (germline): Uncertain significance (1 of 4 stars; one submission).

Conditions:
Inborn genetic diseases. Identifiers: MedGen C0950123, MeSH D030342.

Submission:

Ambry Genetics
Classification: Uncertain significance for Inborn genetic diseases. Last evaluated: 2025-05-23. Review status: criteria provided, single submitter. Criteria: Ambry Variant Classification Scheme 2023. Collection method: clinical testing. Allele origin: germline.
Comment: The p.E198Q variant (also known as c.592G>C), located in coding exon 6 of the FANCA gene, results from a G to C substitution at nucleotide position 592. The glutamic acid at codon 198 is replaced by glutamine, an amino acid with highly similar properties. This amino acid position is conserved. In addition, this alteration is predicted to be tolerated by in silico analysis. Based on the available evidence, the clinical significance of this variant remains unclear.

NM_000135.4(FANCA):c.592G>C (p.Glu198Gln)

Gene: FANCA (FA complementation group A; minus strand). Cytogenetic location: 16q24.3.
Variant type: single nucleotide variant.
Coding change: c.592G>C on transcript NM_000135.4 (MANE Select); coding-DNA position 592, G replaced by C.
Protein change: p.Glu198Gln; replaces glutamic acid 198 with glutamine.
Molecular consequence: missense variant.
Genome position (GRCh38, 1-based): chr16:89,808,298, C>G on the plus strand (G>C on the coding strand, the complement: FANCA is on the minus strand). VCF-style: chr16-89808298-C-G. GRCh37 (hg19) VCF-style: chr16-89874706-C-G.
Other names: c.592G>C, p.Glu198Gln (NM_001018112.3, NM_001286167.3); c.496G>C, p.Glu166Gln (NM_001351830.2); short protein forms E198Q, E166Q.
Identifiers: ClinVar variation 4022303 (VCV004022303.1).